The following is an entry in ClinVar:

NC_000023.11:g.18905859_18905861del

Gene: PHKA2 (phosphorylase kinase regulatory subunit alpha 2; minus strand). Cytogenetic location: Xp22.13.
Variant type: Deletion.
Genome position: GRCh38 VCF-style: chrX-18905856-TCTC-T. GRCh37 (hg19) VCF-style: chrX-18923974-TCTC-T.
Identifiers: ClinVar variation 1518149 (VCV001518149.6), dbSNP rs2047801126, ClinGen allele CA2418076714.

ClinVar aggregate classification (germline): Uncertain significance (1 of 4 stars; one submission).

Conditions:
Glycogen storage disease IXa1. Also called: Glycogen storage disease 8; GLYCOGEN STORAGE DISEASE VIII; GSD VIII; LIVER GLYCOGENOSIS, X-LINKED, TYPE I. Identifiers: Orphanet 264580, MedGen C3694531, MONDO:0010598, OMIM 306000.

Submission:

Labcorp Genetics (formerly Invitae), Labcorp
Classification: Uncertain significance for Glycogen storage disease IXa1. Last evaluated: 2022-02-10. Review status: criteria provided, single submitter. Criteria: Invitae Variant Classification Sherloc (09022015). Collection method: clinical testing. Allele origin: germline.
Comment: This variant, c.2807_2809del, results in the deletion of 1 amino acid(s) of the PHKA2 protein (p.Gly936del), but otherwise preserves the integrity of the reading frame. This variant is not present in population databases (gnomAD no frequency). This variant has not been reported in the literature in individuals affected with PHKA2-related conditions. Experimental studies and prediction algorithms are not available or were not evaluated, and the functional significance of this variant is currently unknown. Algorithms developed to predict the effect of sequence changes on RNA splicing suggest that this variant may disrupt the consensus splice site. In summary, the available evidence is currently insufficient to determine the role of this variant in disease. Therefore, it has been classified as a Variant of Uncertain Significance.